The following is an entry in ClinVar:

NM_000111.3(SLC26A3):c.1315G>A (p.Val439Ile)

Gene: SLC26A3 (solute carrier family 26 member 3; minus strand). Cytogenetic location: 7q22.3.
Variant type: single nucleotide variant.
Coding change: c.1315G>A on transcript NM_000111.3 (MANE Select); coding-DNA position 1315, G replaced by A.
Protein change: p.Val439Ile; replaces valine 439 with isoleucine.
Molecular consequence: missense variant.
Genome position (GRCh38, 1-based): chr7:107,779,760, C>T on the plus strand (G>A on the coding strand, the complement: SLC26A3 is on the minus strand). VCF-style: chr7-107779760-C-T. GRCh37 (hg19) VCF-style: chr7-107420205-C-T.
Other names: c.1315G>A (NM_000111.2); short protein forms V439I.
Identifiers: ClinVar variation 1356991 (VCV001356991.5), dbSNP rs183357373, ClinGen allele CA4433854.

ClinVar aggregate classification (germline): Uncertain significance. Review status: criteria provided, multiple submitters, no conflicts (2 of 4 stars). 3 submissions from 3 submitters: Uncertain significance (3). Last evaluated 2024-11-04.

Conditions:
Inborn genetic diseases. Identifiers: MedGen C0950123, MeSH D030342.

Allele frequency attached by ClinVar (database versions not stated): ExAC 0.00003; gnomAD exomes 0.00003 and 0.00004; gnomAD 0.00004 and 0.00005; ESP Exome Variant Server 0.00008; 1000 Genomes Project 30x 0.00016; 1000 Genomes Project 0.00020.
gnomAD v4.1: 49 of 1,613,526 alleles (0.003%); highest among the groups gnomAD compares: Admixed American, 0.027%; no homozygotes.

Submissions (3):

Blueprint Genetics
Classification: Uncertain significance. Last evaluated: 2024-11-04. Review status: criteria provided, single submitter. Criteria: ACMG Guidelines, 2015. Collection method: clinical testing. Allele origin: germline.

Ambry Genetics
Classification: Uncertain significance for Inborn genetic diseases. Last evaluated: 2024-01-08. Review status: criteria provided, single submitter. Criteria: Ambry Variant Classification Scheme 2023. Collection method: clinical testing. Allele origin: germline.

Labcorp Genetics (formerly Invitae), Labcorp
Classification: Uncertain significance. Last evaluated: 2022-08-23. Review status: criteria provided, single submitter. Criteria: Invitae Variant Classification Sherloc (09022015). Collection method: clinical testing. Allele origin: germline.
Comment: This sequence change replaces valine, which is neutral and non-polar, with isoleucine, which is neutral and non-polar, at codon 439 of the SLC26A3 protein (p.Val439Ile). This variant is present in population databases (rs183357373, gnomAD 0.01%). This variant has not been reported in the literature in individuals affected with SLC26A3-related conditions. ClinVar contains an entry for this variant (Variation ID: 1356991). Algorithms developed to predict the effect of missense changes on protein structure and function are either unavailable or do not agree on the potential impact of this missense change (SIFT: "Tolerated"; PolyPhen-2: "Probably Damaging"; Align-GVGD: "Class C0"). In summary, the available evidence is currently insufficient to determine the role of this variant in disease. Therefore, it has been classified as a Variant of Uncertain Significance.